The following is an entry in ClinVar:

NM_003060.4(SLC22A5):c.470C>A (p.Ser157Tyr)

Gene: SLC22A5 (solute carrier family 22 member 5; plus strand). Cytogenetic location: 5q31.1.
Variant type: single nucleotide variant.
Coding change: c.470C>A on transcript NM_003060.4 (MANE Select); coding-DNA position 470, C replaced by A.
Protein change: p.Ser157Tyr; replaces serine 157 with tyrosine.
Molecular consequence: missense variant.
Genome position (GRCh38, 1-based): chr5:132,378,454, C>A. VCF-style: chr5-132378454-C-A. GRCh37 (hg19) VCF-style: chr5-131714146-C-A.
Other names: c.542C>A, p.Ser181Tyr (NM_001308122.2); short protein forms S157Y, S181Y.
Identifiers: ClinVar variation 811296 (VCV000811296.11), dbSNP rs759925126, ClinGen allele CA360803729.

ClinVar aggregate classification (germline): Uncertain significance. Review status: criteria provided, single submitter (1 of 4 stars). 2 submissions from 2 submitters: Uncertain significance (1). 1 of the submissions does not count toward it. Last evaluated 2019-02-11.

Conditions:
Decreased circulating carnitine concentration. Also called: Decreased plasma carnitine. Identifiers: MedGen C5848230, HP:0003234.
Renal carnitine transport defect (CDSP). Also called: Systemic primary carnitine deficiency disease; CARNITINE DEFICIENCY, SYSTEMIC, DUE TO DEFECT IN RENAL REABSORPTION OF CARNITINE; CARNITINE TRANSPORTER, PLASMA-MEMBRANE, DEFICIENCY OF; CARNITINE UPTAKE DEFECT; Primary carnitine deficiency; Systemic primary carnitine deficiency. Identifiers: Orphanet 158, MedGen C0342788, MONDO:0008919, OMIM 212140.

Submissions (2):

ARUP Laboratories, Molecular Genetics and Genomics, ARUP Laboratories
Classification: Uncertain significance for Renal carnitine transport defect. Last evaluated: 2019-02-11. Review status: criteria provided, single submitter. Criteria: ARUP Molecular Germline Variant Investigation Process. Collection method: clinical testing. Allele origin: germline.
Comment: The SLC22A5 c.470C>A; p.Ser157Tyr variant, to our knowledge, is not described in the medical literature or in gene-specific databases. It is also absent from general population databases (Exome Variant Server and Genome Aggregation Database), indicating it is not a common polymorphism. The serine at codon 157 is moderately conserved, and computational algorithms (PolyPhen-2, SIFT) predict that this variant is deleterious. However, due to the lack of clinical and functional data regarding this variant, its clinical significance cannot be determined with certainty.

Natera, Inc.
Classification: Uncertain significance for Carnitine deficiency. Last evaluated: 2021-07-06. Review status: no assertion criteria provided. Collection method: clinical testing. Allele origin: germline. Not counted in ClinVar's aggregate classification.